The following is an entry in ClinVar:

ClinVar aggregate classification (germline): Pathogenic/Likely pathogenic. Review status: criteria provided, multiple submitters, no conflicts (2 of 4 stars). 3 submissions from 3 submitters: Pathogenic (2); Likely pathogenic (1). Last evaluated 2024-11-09.

Conditions:
Recessive dystrophic epidermolysis bullosa (RDEB). Also called: DYSTROPHIC EPIDERMOLYSIS BULLOSA, AUTOSOMAL RECESSIVE; EPIDERMOLYSIS BULLOSA DYSTROPHICA, HALLOPEAU-SIEMENS TYPE; Epidermolysis Bullosa Distrophica Autosomal Recessive (RDEB); epidermolysis bullosa dystrophica, autosomal recessive; Hallopeau-Siemens Disease; severe generalized recessive dystrophic epidermolysis bullosa. Identifiers: Orphanet 79408, Orphanet 79409, MedGen C0079474, MONDO:0009179, OMIM 226600.
Generalized dominant dystrophic epidermolysis bullosa (DDEB). Also called: DDEB, generalized; DDEB-gen; DYSTROPHIC EPIDERMOLYSIS BULLOSA, AUTOSOMAL DOMINANT; Epidermolysis bullosa dystrophica, autosomal dominant; Dominant DEB (DDEB). Identifiers: Orphanet 231568, MedGen C0432322, MONDO:0007549, OMIM 131750.
Epidermolysis bullosa pruriginosa. Also called: DEB, PRURIGINOSA; DYSTROPHIC EPIDERMOLYSIS BULLOSA PRURIGINOSA. Identifiers: Orphanet 89843, MedGen C1275114, MONDO:0011398, OMIM 604129.
Nonsyndromic congenital nail disorder 8. Also called: TOENAIL DYSTROPHY, ISOLATED. Identifiers: MedGen C1843761, MONDO:0011852, OMIM 607523.
Pretibial dystrophic epidermolysis bullosa. Also called: EPIDERMOLYSIS BULLOSA DYSTROPHICA, PRETIBIAL; Pretibial epidermolysis bullosa; Pretibial blistering. Identifiers: Orphanet 79410, MedGen C0432321, MONDO:0007552, OMIM 131850, HP:0012221.
Dominant dystrophic epidermolysis bullosa with absence of skin. Also called: EPIDERMOLYSIS BULLOSA WITH CONGENITAL LOCALIZED ABSENCE OF SKIN AND DEFORMITY OF NAILS; EPIDERMOLYSIS BULLOSA DYSTROPHICA, BART TYPE. Identifiers: MedGen C0268371, MONDO:0007557, OMIM 132000.
Transient bullous dermolysis of the newborn (TBDN). Also called: DYSTROPHIC EPIDERMOLYSIS BULLOSA, NEONATAL; EPIDERMOLYSIS BULLOSA DYSTROPHICA, NEONATAL FORM. Identifiers: Orphanet 79411, MedGen C1851573, MONDO:0007548, OMIM 131705.

Submissions (3):

Myriad Genetics, Inc.
Classification: Pathogenic for Recessive dystrophic epidermolysis bullosa. Last evaluated: 2024-11-09. Review status: criteria provided, single submitter. Criteria: Myriad Autosomal Dominant, Autosomal Recessive and X-Linked Classification Criteria (2023). Collection method: clinical testing. Allele origin: unknown.
Comment: NM_000094.3(COL7A1):c.502delG(V168Sfs*16) is expected to be pathogenic in the context of dystrophic epidermolysis bullosa. This variant is predicted to lead to an abnormal or absent protein product due to the creation of a premature termination codon in COL7A1, a gene where loss-of-function variants are known to be pathogenic. Please note: this variant was assessed in the context of healthy population screening.

Fulgent Genetics
Classification: Likely pathogenic for Transient bullous dermolysis of the newborn; Generalized dominant dystrophic epidermolysis bullosa; Pretibial dystrophic epidermolysis bullosa; Dominant dystrophic epidermolysis bullosa with absence of skin; Recessive dystrophic epidermolysis bullosa; Epidermolysis bullosa pruriginosa; Nonsyndromic congenital nail disorder 8. Last evaluated: 2024-03-13. Review status: criteria provided, single submitter. Criteria: ACMG Guidelines, 2015. Collection method: clinical testing. Allele origin: germline.

Labcorp Genetics (formerly Invitae), Labcorp
Classification: Pathogenic. Last evaluated: 2023-07-26. Review status: criteria provided, single submitter. Criteria: Invitae Variant Classification Sherloc (09022015). Collection method: clinical testing. Allele origin: germline.
Comment: This variant is present in population databases (no rsID available, gnomAD 0.007%). For these reasons, this variant has been classified as Pathogenic. This variant has not been reported in the literature in individuals affected with COL7A1-related conditions. This sequence change creates a premature translational stop signal (p.Val168Serfs*16) in the COL7A1 gene. It is expected to result in an absent or disrupted protein product. Loss-of-function variants in COL7A1 are known to be pathogenic (PMID: 16971478).

Literature cited by the submitters: PubMed 16971478 (cited by Labcorp Genetics (formerly Invitae), Labcorp).

NM_000094.4(COL7A1):c.502del (p.Val168fs)

Gene: COL7A1 (collagen type VII alpha 1 chain; minus strand). Cytogenetic location: 3p21.31.
Variant type: Deletion.
Coding change: c.502del on transcript NM_000094.4 (MANE Select); coding-DNA position 502, one base deleted (G; older notation c.502delG).
Protein change: p.Val168fs; shifts the reading frame from valine 168.
Molecular consequence: frameshift variant.
Genome position (GRCh38, 1-based): chr3:48,593,374, C deleted on the plus strand (G on the coding strand, the reverse complement: COL7A1 is on the minus strand); the first of 5 consecutive C bases (chr3:48,593,374-48,593,378); deleting any one gives the same sequence. VCF-style (leftmost placement, unchanged base first): chr3-48593373-AC-A. GRCh37 (hg19) VCF-style: chr3-48630806-AC-A.
Other names: short protein forms V168fs.
Identifiers: ClinVar variation 2798155 (VCV002798155.5), dbSNP rs1301235105, ClinGen allele CA543045443.